The following is an entry in ClinVar:

ClinVar aggregate classification (germline): Uncertain significance. Review status: criteria provided, multiple submitters, no conflicts (2 of 4 stars). 2 submissions from 2 submitters: Uncertain significance (2). Last evaluated 2022-07-06.

Conditions:
Familial cold autoinflammatory syndrome 4 (FCAS4). Identifiers: Orphanet 47045, Orphanet 576349, MedGen C4015276, MONDO:0014498, OMIM 616115.
Periodic fever-infantile enterocolitis-autoinflammatory syndrome. Also called: Autoinflammation with infantile enterocolitis. Identifiers: Orphanet 436166, MedGen C4015067, MONDO:0014472, OMIM 616050.

Allele frequency attached by ClinVar (database versions not stated): gnomAD exomes below 0.00001 and 0.00001; ExAC 0.00002.
gnomAD v4.1: 5 of 1,614,168 alleles (0.00031%); highest among the groups gnomAD compares: Admixed American, 0.0017%; no homozygotes.

Submissions (2):

Labcorp Genetics (formerly Invitae), Labcorp
Classification: Uncertain significance for Periodic fever-infantile enterocolitis-autoinflammatory syndrome; Familial cold autoinflammatory syndrome 4. Last evaluated: 2022-07-06. Review status: criteria provided, single submitter. Criteria: Invitae Variant Classification Sherloc (09022015). Collection method: clinical testing. Allele origin: germline.
Comment: In summary, the available evidence is currently insufficient to determine the role of this variant in disease. Therefore, it has been classified as a Variant of Uncertain Significance. Algorithms developed to predict the effect of missense changes on protein structure and function are either unavailable or do not agree on the potential impact of this missense change (SIFT: "Tolerated"; PolyPhen-2: "Possibly Damaging"; Align-GVGD: "Class C0"). ClinVar contains an entry for this variant (Variation ID: 1368858). This variant has not been reported in the literature in individuals affected with NLRC4-related conditions. This variant is present in population databases (rs773703186, gnomAD 0.01%). This sequence change replaces alanine, which is neutral and non-polar, with valine, which is neutral and non-polar, at codon 234 of the NLRC4 protein (p.Ala234Val).

Breakthrough Genomics
Classification: Uncertain significance. Review status: criteria provided, single submitter. Criteria: ACMG Guidelines, 2015. Collection method: not provided. Allele origin: germline. Inheritance: Autosomal dominant inheritance. Affected: yes.

NM_001199138.2(NLRC4):c.701C>T (p.Ala234Val)

Gene: NLRC4 (NLR family CARD domain containing 4; minus strand). Cytogenetic location: 2p22.3.
Variant type: single nucleotide variant.
Coding change: c.701C>T on transcript NM_001199138.2 (MANE Select); coding-DNA position 701, C replaced by T.
Protein change: p.Ala234Val; replaces alanine 234 with valine.
Molecular consequence: missense variant. On other transcripts: intron variant (1).
Genome position (GRCh38, 1-based): chr2:32,251,163, G>A on the plus strand (C>T on the coding strand, the complement: NLRC4 is on the minus strand). VCF-style: chr2-32251163-G-A. GRCh37 (hg19) VCF-style: chr2-32476232-G-A.
Other names: c.701C>T, p.Ala234Val (NM_001199139.2, NM_021209.5); c.262+1256C>T (NM_001302504.1); short protein forms A234V.
Identifiers: ClinVar variation 1368858 (VCV001368858.9), dbSNP rs773703186, ClinGen allele CA1602099.